The following is an entry in ClinVar:

ClinVar aggregate classification (germline): Pathogenic (1 of 4 stars; one submission).

Conditions:
Fanconi anemia (FA). Also called: Fanconi's anemia. Identifiers: Orphanet 84, MedGen C0015625, MeSH D005199, MONDO:0019391.

Submission:

Labcorp Genetics (formerly Invitae), Labcorp
Classification: Pathogenic for Fanconi anemia. Last evaluated: 2022-07-29. Review status: criteria provided, single submitter. Criteria: Invitae Variant Classification Sherloc (09022015). Collection method: clinical testing. Allele origin: germline.
Comment: For these reasons, this variant has been classified as Pathogenic. This variant has not been reported in the literature in individuals affected with FANCA-related conditions. This variant is a gross deletion of the genomic region encompassing exon(s) 12-27 of the FANCA gene. This deletion is out-of-frame, and is expected to create a premature termination codon and result in an absent or disrupted protein product. Loss-of-function variants in FANCA are known to be pathogenic (PMID: 19367192).

Literature cited by the submitters: PubMed 19367192.

NC_000016.9:g.(?_89833539)_(89858965_?)del

Gene: FANCA (FA complementation group A; minus strand). Cytogenetic location: 16q24.3.
Variant type: Deletion.
Identifiers: ClinVar variation 2422407 (VCV002422407.4).